The following is an entry in ClinVar:

ClinVar aggregate classification (germline): Uncertain significance (1 of 4 stars; one submission).

Conditions:
Cardiovascular phenotype. Identifiers: MedGen CN230736.

Submission:

Ambry Genetics
Classification: Uncertain significance for Cardiovascular phenotype. Last evaluated: 2021-06-22. Review status: criteria provided, single submitter. Criteria: Ambry Variant Classification Scheme 2023. Collection method: clinical testing. Allele origin: germline.
Comment: The p.L1225V variant (also known as c.3673C>G), located in coding exon 6 of the ALPK3 gene, results from a C to G substitution at nucleotide position 3673. The leucine at codon 1225 is replaced by valine, an amino acid with highly similar properties. This amino acid position is conserved. In addition, this alteration is predicted to be tolerated by in silico analysis. Since supporting evidence is limited at this time, the clinical significance of this alteration remains unclear.

NM_020778.5(ALPK3):c.3067C>G (p.Leu1023Val)

Gene: ALPK3 (alpha kinase 3; plus strand). Cytogenetic location: 15q25.3.
Variant type: single nucleotide variant.
Coding change: c.3067C>G on transcript NM_020778.5 (MANE Select); coding-DNA position 3067, C replaced by G.
Protein change: p.Leu1023Val; replaces leucine 1023 with valine.
Molecular consequence: missense variant.
Genome position (GRCh38, 1-based): chr15:84,857,805, C>G. VCF-style: chr15-84857805-C-G. GRCh37 (hg19) VCF-style: chr15-85401036-C-G.
Other names: short protein forms L1023V.
Identifiers: ClinVar variation 1733810 (VCV001733810.2), dbSNP rs1296408101, ClinGen allele CA393359535.
Genomic context (GRCh38, chr15:84,857,805, plus strand): 5'-GTGGCTGGGCTTAGTCCCCGGACATCGAGGCGCATCCTGGAGCGTGTGGAGAACAACCAC[C>G]TGGTGCAGAGTGCACAGACCCTGCTGCTGAGCCCCTGTACCTCCCGCCGCCTCACCGGCC-3'
Protein context (NP_065829.4, residues 1013-1033): RILERVENNH[Leu1023Val]VQSAQTLLLS